The following is an entry in ClinVar:

NM_001205293.3(CACNA1E):c.4273A>G (p.Thr1425Ala)

Gene: CACNA1E (calcium voltage-gated channel subunit alpha1 E; plus strand). Cytogenetic location: 1q25.3.
Variant type: single nucleotide variant.
Coding change: c.4273A>G on transcript NM_001205293.3 (MANE Select); coding-DNA position 4273, A replaced by G.
Protein change: p.Thr1425Ala; replaces threonine 1425 with alanine.
Molecular consequence: missense variant.
Genome position (GRCh38, 1-based): chr1:181,757,070, A>G. VCF-style: chr1-181757070-A-G. GRCh37 (hg19) VCF-style: chr1-181726206-A-G.
Other names: c.4273A>G, p.Thr1425Ala (NM_000721.4); c.4216A>G, p.Thr1406Ala (NM_001205294.2); short protein forms T1406A, T1425A.
Identifiers: ClinVar variation 1722372 (VCV001722372.1), dbSNP rs2528974316, ClinGen allele CA343624473.

ClinVar aggregate classification (germline): Uncertain significance (1 of 4 stars; one submission).

Submission:

Women's Health and Genetics/Laboratory Corporation of America, LabCorp
Classification: Uncertain significance. Last evaluated: 2022-09-01. Review status: criteria provided, single submitter. Criteria: LabCorp Variant Classification Summary - May 2015. Collection method: clinical testing. Allele origin: germline.
Comment: Variant summary: CACNA1E c.4273A>G (p.Thr1425Ala) results in a non-conservative amino acid change located in the Ion transport domain (IPR005821) of the encoded protein sequence. Five of five in-silico tools predict a damaging effect of the variant on protein function. The variant was absent in 249262 control chromosomes. The available data on variant occurrences in the general population are insufficient to allow any conclusion about variant significance. To our knowledge, no occurrence of c.4273A>G in individuals affected with Epileptic Encephalopathy, Early Infantile, 69 and no experimental evidence demonstrating its impact on protein function have been reported. No clinical diagnostic laboratories have submitted clinical-significance assessments for this variant to ClinVar after 2014. Based on the evidence outlined above, the variant was classified as uncertain significance.